The following is an entry in ClinVar:

NM_004304.5(ALK):c.2430C>T (p.Ser810=)

Gene: ALK (ALK receptor tyrosine kinase; minus strand). Cytogenetic location: 2p23.2.
Variant type: single nucleotide variant.
Coding change: c.2430C>T on transcript NM_004304.5 (MANE Select); coding-DNA position 2430, C replaced by T.
Protein change: p.Ser810=; no amino-acid change (serine 810 retained).
Molecular consequence: synonymous variant.
Genome position (GRCh38, 1-based): chr2:29,233,622, G>A on the plus strand (C>T on the coding strand, the complement: ALK is on the minus strand). VCF-style: chr2-29233622-G-A. GRCh37 (hg19) VCF-style: chr2-29456488-G-A.
Identifiers: ClinVar variation 335702 (VCV000335702.27), dbSNP rs150292405, ClinGen allele CA1594315.

ClinVar aggregate classification (germline): Benign/Likely benign. Review status: criteria provided, multiple submitters, no conflicts (2 of 4 stars). 8 submissions from 8 submitters: Benign (4); Likely benign (3). 1 of the submissions does not count toward it. Last evaluated 2026-08-01.

Conditions:
Neuroblastoma, susceptibility to, 3. Also called: ALK-Related Neuroblastic Tumor Susceptibility. Identifiers: Orphanet 635, MedGen C2751681, MONDO:0013083, OMIM 613014.
ALK-related disorder. Also called: ALK-related condition.
Hereditary cancer-predisposing syndrome. Also called: Tumor predisposition; Neoplastic Syndromes, Hereditary; Hereditary neoplastic syndrome; Hereditary Cancer Syndrome. Identifiers: Orphanet 140162, MedGen C0027672, MeSH D009386, MONDO:0015356.

Allele frequency attached by ClinVar (database versions not stated): ESP Exome Variant Server 0.00085; gnomAD 0.00086; TOPMed 0.00105; 1000 Genomes Project 30x 0.00156; 1000 Genomes Project 0.00160.
gnomAD v4.1: 274 of 1,614,162 alleles (0.017%); highest among the groups gnomAD compares: African/African-American, 0.26%; 1 homozygote.

Submissions (8):

CeGaT Center for Human Genetics Tuebingen
Classification: Likely benign. Last evaluated: 2026-08-01. Review status: criteria provided, single submitter. Criteria: CeGaT Center For Human Genetics Tuebingen Variant Classification Criteria Version 2. Collection method: clinical testing. Allele origin: germline. Affected: yes. Observed: 4 variant alleles.
Comment: ALK: BP4, BP7

Labcorp Genetics (formerly Invitae), Labcorp
Classification: Benign for Neuroblastoma, susceptibility to, 3. Last evaluated: 2026-02-02. Review status: criteria provided, single submitter. Criteria: Invitae Variant Classification Sherloc (09022015). Collection method: clinical testing. Allele origin: germline.

KCCC/NGS Laboratory, Kuwait Cancer Control Center
Classification: Benign for Neuroblastoma, susceptibility to, 3. Last evaluated: 2023-07-07. Review status: criteria provided, single submitter. Criteria: ACMG Guidelines, 2015. Collection method: clinical testing. Allele origin: germline. Affected: yes.

Ambry Genetics
Classification: Likely benign for Hereditary cancer-predisposing syndrome. Last evaluated: 2022-02-17. Review status: criteria provided, single submitter. Criteria: Ambry Variant Classification Scheme 2023. Collection method: clinical testing. Allele origin: germline.

GeneDx
Classification: Likely benign. Last evaluated: 2021-06-17. Review status: criteria provided, single submitter. Criteria: GeneDx Variant Classification Process June 2021. Collection method: clinical testing. Allele origin: germline. Affected: yes.

Sema4
Classification: Benign for Hereditary cancer-predisposing syndrome. Last evaluated: 2021-03-04. Review status: criteria provided, single submitter. Criteria: Sema4 Curation Guidelines. Collection method: curation. Allele origin: germline.

Illumina Laboratory Services, Illumina
Classification: Benign for Neuroblastoma, susceptibility to, 3. Last evaluated: 2018-01-13. Review status: criteria provided, single submitter. Criteria: ICSL Variant Classification Criteria 13 December 2019. Collection method: clinical testing. Allele origin: germline.
Comment: This variant was observed in the ICSL laboratory as part of a predisposition screen in an ostensibly healthy population. It had not been previously curated by ICSL or reported in the Human Gene Mutation Database (HGMD: prior to June 1st, 2018), and was therefore a candidate for classification through an automated scoring system. Utilizing variant allele frequency, disease prevalence and penetrance estimates, and inheritance mode, an automated score was calculated to assess if this variant is too frequent to cause the disease. Based on the score and internal cut-off values, a variant classified as benign is not then subjected to further curation. The score for this variant resulted in a classification of benign for this disease.

PreventionGenetics, part of Exact Sciences
Classification: Likely benign for ALK-related condition. Last evaluated: 2022-03-05. Review status: no assertion criteria provided. Collection method: clinical testing. Allele origin: germline. Not counted in ClinVar's aggregate classification.
Comment: This variant is classified as likely benign based on ACMG/AMP sequence variant interpretation guidelines (Richards et al. 2015 PMID: 25741868, with internal and published modifications).